The following continues an entry in ClinVar:

NM_007294.4(BRCA1):c.5277+1G>A

Gene: BRCA1. ClinVar aggregate classification (germline): Pathogenic. Pathogenic (1).

Submissions 7 to 19 of 33:

Quest Diagnostics Nichols Institute San Juan Capistrano
Classification: Pathogenic. Last evaluated: 2024-04-12. Review status: criteria provided, single submitter. Criteria: Quest Diagnostics criteria. Collection method: clinical testing. Allele origin: unknown. Not counted in ClinVar's aggregate classification.
Comment: The BRCA1 c.5277+1G>A variant disrupts a canonical splice-donor site and interferes with normal BRCA1 mRNA splicing. This variant has been reported in the published literature in individuals affected with breast and/or ovarian cancer (PMIDs: 38439815 (2024), 36329109 (2022), 33471991 (2021), 23096355 (2012)). Functional evidence suggests that this variant may impact protein function and interfere with normal BRCA1 mRNA splicing (PMIDs: 38398132 (2024), 31843900 (2019), 24667779 (2014), 20215541 (2010), 16211554 (2005)). This variant has not been reported in large, multi-ethnic general populations (Genome Aggregation Database). Based on the available information, this variant is classified as pathogenic.

Fulgent Genetics
Classification: Pathogenic for Breast-ovarian cancer, familial, susceptibility to, 1; Pancreatic cancer, susceptibility to, 4; Fanconi anemia, complementation group S. Last evaluated: 2024-04-05. Review status: criteria provided, single submitter. Criteria: ACMG Guidelines, 2015. Collection method: clinical testing. Allele origin: germline. Not counted in ClinVar's aggregate classification.

Baylor Genetics
Classification: Pathogenic for Breast-ovarian cancer, familial, susceptibility to, 1. Last evaluated: 2024-03-13. Review status: criteria provided, single submitter. Criteria: ACMG Guidelines, 2015. Collection method: clinical testing. Allele origin: unknown. Not counted in ClinVar's aggregate classification.

All of Us Research Program, National Institutes of Health
Classification: Pathogenic for Breast-ovarian cancer, familial, susceptibility to, 1. Last evaluated: 2023-07-19. Review status: criteria provided, single submitter. Criteria: ACMG Guidelines, 2015. Collection method: clinical testing. Allele origin: germline. Inheritance: Autosomal dominant inheritance. Observed: 1 variant allele, 1 heterozygote. Not counted in ClinVar's aggregate classification.
Comment: This variant causes a G to A nucleotide substitution at the +1 position of intron 19 of the BRCA1 gene. This variant is also known as IVS20+1G>A by a legacy nomenclature in the literature. RNA studies have found that this variant results in the retention of 87 nucleotides from intron 19 and the skipping of exon 19, that are predicted to cause in-frame insertion of 29 amino acids in the BRCT domain and out-of-frame splicing, respectively (PMID: 16211554, 24667779, 31843900). A functional study has reported that this variant impacts BRCA1 function in a haploid cell proliferation assay (PMID: 30209399). This variant has been reported in several individuals affected with breast or ovarian cancer, one individual affected with peritoneal cancer (PMID: 14574155, 16211554, 20215541, 21913181, 23096355) and in at least four dozen suspected hereditary breast and ovarian cancer families (PMID: 11149413, 11597388, 11802209, 16683254, 19949876, 24285858), including one family in which this variant segregates with ovarian cancer in five members of one family (PMID: 16211554). This variant also has been detected in a breast cancer case-control meta-analysis in 8/60466 cases and 1/53461 unaffected individuals (PMID: 33471991; Leiden Open Variation Database DB-ID BRCA1_000441). A multifactorial analysis has reported a family history likelihood ratio for pathogenicity of 11.1 (PMID: 17924331). This variant has not been identified in the general population by the Genome Aggregation Database (gnomAD). Loss of BRCA1 function is a known mechanism of disease. Based on the available evidence, this variant is classified as Pathogenic.

This study involves interpretation of variants in research participants for the purpose of population health screening. Participant phenotype was not available at the time of variant classification. Additional details can be found in publication PMID: 35346344, PMCID: PMC8962531

Genetics Program, Instituto Nacional de Cancer
Classification: Pathogenic for Hereditary breast ovarian cancer syndrome. Last evaluated: 2021-11-01. Review status: criteria provided, single submitter. Criteria: ACMG Guidelines, 2015. Collection method: research. Allele origin: germline. Affected: yes. Not counted in ClinVar's aggregate classification.

GeneDx
Classification: Pathogenic. Last evaluated: 2021-10-25. Review status: criteria provided, single submitter. Criteria: GeneDx Variant Classification Process June 2021. Collection method: clinical testing. Allele origin: germline. Affected: yes. Not counted in ClinVar's aggregate classification.
Comment: Canonical splice site variant demonstrated to result in an in-frame deletion of a critical region (Tesoriero 2005, Sanz 2010, Steffensen 2014); Multifactorial studies suggest this variant is associated with breast and ovarian cancer (Easton 2007, Lindor 2012); Published functional studies demonstrate a damaging effect: classified as non-functional based on a saturation genome editing (SGE) assay measuring cell growth (Findlay 2018); Not observed in large population cohorts (Lek 2016); Deletions involving coding exons in this gene are frequently reported as pathogenic, regardless of frame prediction (Stenson 2014); Observed in individuals with early-onset or familial breast and/or ovarian cancer (de la Hoya 2001, Diez 2003, van Harssel 2010, Lara 2012); Classified as pathogenic by a well-established clinical consortium and/or database (ClinVar SCV000244394.1; Landrum 2016); Also known as 5396+1G>A or IVS20+1G>A; This variant is associated with the following publications: (PMID: 23348723, 23096355, 19593635, 20215541, 19949876, 18286383, 18528753, 25849179, 18298804, 26913838, 29446198, 17924331, 21990134, 25525159, 11149413, 12955716, 16211554, 25859162, 24667779, 28636540, 28477318, 28918466, 30209399, 30720863, 25085752, 32665702)

Department of Pathology and Laboratory Medicine, Sinai Health System
Classification: Pathogenic for Familial cancer of breast; Breast-ovarian cancer, familial, susceptibility to, 1; Fanconi anemia, complementation group S. Last evaluated: 2021-06-28. Review status: criteria provided, single submitter. Criteria: ACMG Guidelines, 2015. Collection method: clinical testing. Allele origin: germline. Affected: yes. Not counted in ClinVar's aggregate classification.

Women's Health and Genetics/Laboratory Corporation of America, LabCorp
Classification: Pathogenic for Hereditary breast ovarian cancer syndrome. Last evaluated: 2021-02-25. Review status: criteria provided, single submitter. Criteria: LabCorp Variant Classification Summary - May 2015. Collection method: clinical testing. Allele origin: germline. Not counted in ClinVar's aggregate classification.
Comment: Variant summary: BRCA1 c.5277+1G>A is located in a canonical splice-site and is predicted to affect mRNA splicing resulting in a significantly altered protein due to either exon skipping, shortening, or inclusion of intronic material. Several computational tools predict a significant impact on normal splicing: Four predict the variant abolishes a 5' splicing donor site. These predictions have been confirmed by experimental evidence showing the variant to result in the skipping of exon 20 and generating a truncated protein (Tesoriero_2005). The variant was absent in 251494 control chromosomes. c.5277+1G>A has been reported in the literature in multiple individuals affected with Hereditary Breast And Ovarian Cancer Syndrome (eg Meindl_2002, Diez_2003, Tesoriero_2012, Lara_2012, Litton_2012, Brohet_2014, etc). 12 clinical diagnostic laboratories have submitted clinical-significance assessments for this variant to ClinVar after 2014 without evidence for independent evaluation. All laboratories classified the variant as pathogenic. Based on the evidence outlined above, the variant was classified as pathogenic.

Kong lab, Department of Laboratory Medicine, National Cancer Center
Classification: Pathogenic for Breast-ovarian cancer, familial, susceptibility to, 1. Last evaluated: 2020-08-01. Review status: criteria provided, single submitter. Criteria: ACMG Guidelines, 2015. Collection method: research. Allele origin: germline, not applicable. Inheritance: Autosomal dominant inheritance. Observed: 1 heterozygote. Not counted in ClinVar's aggregate classification.
Comment: RT-PCR and sequencing analyses revealed that an 87-bp intron insertion between exon 20 and exon 21 and exon 20 skipping were identified, leading to either a truncated BRCA1 protein or an in-frame deletion of 28 amino acids in the BRCT domain (Ryu et al., 2020; PMID: 32761968). This variant is not found in population databases such as ExAC and gnomAD. Given its significant effect on RNA splicing and the BRCT domain, BRCA1 c.5277+1G>A has been classified as pathogenic.

ARUP Laboratories, Molecular Genetics and Genomics, ARUP Laboratories
Classification: Pathogenic. Last evaluated: 2017-05-24. Review status: criteria provided, single submitter. Criteria: ARUP Molecular Germline Variant Investigation Process. Collection method: clinical testing. Allele origin: germline. Not counted in ClinVar's aggregate classification.

Consortium of Investigators of Modifiers of BRCA1/2 (CIMBA), c/o University of Cambridge
Classification: Pathogenic for Breast-ovarian cancer, familial, susceptibility to, 1. Last evaluated: 2015-10-02. Review status: criteria provided, single submitter. Criteria: CIMBA Mutation Classification guidelines May 2016. Collection method: clinical testing. Allele origin: germline. Not counted in ClinVar's aggregate classification.

Clinical Genetics DNA and cytogenetics Diagnostics Lab, Erasmus MC, Erasmus Medical Center
Classification: Pathogenic for Breast-ovarian cancer, familial, susceptibility to, 1. Last evaluated: 2015-09-21. Review status: criteria provided, single submitter. Criteria: ACGS Guidelines, 2013. Collection method: clinical testing. Allele origin: germline. Affected: yes. Study: VKGL Data-share Consensus. Not counted in ClinVar's aggregate classification.

Genome Diagnostics Laboratory, University Medical Center Utrecht
Classification: Pathogenic for Breast-ovarian cancer, familial, susceptibility to, 1. Last evaluated: 2014-10-08. Review status: criteria provided, single submitter. Criteria: ACGS Guidelines, 2013. Collection method: clinical testing. Allele origin: germline. Affected: yes. Study: VKGL Data-share Consensus. Not counted in ClinVar's aggregate classification.